The following is an entry in ClinVar:

NM_000143.4(FH):c.279T>G (p.Ile93Met)

Gene: FH (fumarate hydratase; minus strand). Cytogenetic location: 1q43.
Variant type: single nucleotide variant.
Coding change: c.279T>G on transcript NM_000143.4 (MANE Select); coding-DNA position 279, T replaced by G.
Protein change: p.Ile93Met; replaces isoleucine 93 with methionine.
Molecular consequence: missense variant.
Genome position (GRCh38, 1-based): chr1:241,513,702, A>C on the plus strand (T>G on the coding strand, the complement: FH is on the minus strand). VCF-style: chr1-241513702-A-C. GRCh37 (hg19) VCF-style: chr1-241677002-A-C.
Other names: c.279T>G (NM_000143.3); short protein forms I93M.
Identifiers: ClinVar variation 1687326 (VCV001687326.3), dbSNP rs2147923086, ClinGen allele CA345441060.

ClinVar aggregate classification (germline): Uncertain significance. Review status: criteria provided, multiple submitters, no conflicts (2 of 4 stars). 3 submissions from 3 submitters: Uncertain significance (2). 1 of the submissions does not count toward it. Last evaluated 2026-06-16.

Conditions:
Hereditary cancer-predisposing syndrome. Also called: Tumor predisposition; Hereditary neoplastic syndrome; Neoplastic Syndromes, Hereditary; Hereditary Cancer Syndrome. Identifiers: Orphanet 140162, MedGen C0027672, MeSH D009386, MONDO:0015356.
Fumarase deficiency (FMRD). Also called: Fumarate Hydratase Deficiency; Fumaric aciduria. Identifiers: Orphanet 24, MedGen C0342770, MONDO:0011730, OMIM 606812.

Submissions (3):

Ambry Genetics
Classification: Uncertain significance for Hereditary cancer-predisposing syndrome. Last evaluated: 2026-06-16. Review status: criteria provided, single submitter. Criteria: Ambry Variant Classification Scheme 2023. Collection method: clinical testing. Allele origin: germline.
Comment: The p.I93M variant (also known as c.279T>G), located in coding exon 3 of the FH gene, results from a T to G substitution at nucleotide position 279. The isoleucine at codon 93 is replaced by methionine, an amino acid with highly similar properties. This amino acid position is highly conserved in available vertebrate species. In addition, this alteration is predicted to be deleterious by in silico analysis. Based on the available evidence, the clinical significance of this variant remains unclear.

3billion
Classification: Uncertain significance for Fumarase deficiency. Last evaluated: 2022-05-22. Review status: criteria provided, single submitter. Criteria: ACMG Guidelines, 2015. Collection method: clinical testing. Allele origin: germline. Affected: yes. Observed: 1 heterozygote.
Comment: The variant is not observed in the gnomAD v2.1.1 dataset. In silico tool predictions suggest damaging effect of the variant on gene or gene product (REVEL: 0.92; 3Cnet: 0.73). Therefore, this variant is classified as uncertain significanceaccording to the recommendation of ACMG/AMP guideline.

Natera, Inc.
Classification: Uncertain significance for Fumarase Deficiency. Last evaluated: 2025-05-15. Review status: no assertion criteria provided. Collection method: clinical testing. Allele origin: germline. Not counted in ClinVar's aggregate classification.